The following is an entry in ClinVar:

NM_001009999.3(KDM1A):c.1390G>A (p.Glu464Lys)

Gene: KDM1A (lysine demethylase 1A; plus strand). Cytogenetic location: 1p36.12.
Variant type: single nucleotide variant.
Coding change: c.1390G>A on transcript NM_001009999.3 (MANE Select); coding-DNA position 1390, G replaced by A.
Protein change: p.Glu464Lys; replaces glutamic acid 464 with lysine.
Molecular consequence: missense variant.
Genome position (GRCh38, 1-based): chr1:23,069,128, G>A. VCF-style: chr1-23069128-G-A. GRCh37 (hg19) VCF-style: chr1-23395621-G-A.
Other names: c.1318G>A, p.Glu440Lys (NM_001363654.2, NM_001410763.1, NM_015013.4); c.1378G>A, p.Glu460Lys (NM_001410762.1); short protein forms E440K, E464K, E460K.
Identifiers: ClinVar variation 4622733 (VCV004622733.1).

ClinVar aggregate classification (germline): Uncertain significance (1 of 4 stars; one submission).

Conditions:
Inborn genetic diseases. Identifiers: MedGen C0950123, MeSH D030342.

Submission:

Ambry Genetics
Classification: Uncertain significance for Inborn genetic diseases. Last evaluated: 2025-11-30. Review status: criteria provided, single submitter. Criteria: Ambry Variant Classification Scheme 2023. Collection method: clinical testing. Allele origin: germline.
Comment: The p.E464K variant (also known as c.1390G>A), located in coding exon 12 of the KDM1A gene, results from a G to A substitution at nucleotide position 1390. The glutamic acid at codon 464 is replaced by lysine, an amino acid with similar properties. This amino acid position is conserved. In addition, the in silico prediction for this alteration is inconclusive. Based on the available evidence, the clinical significance of this variant remains unclear.